The following is an entry in ClinVar:

ClinVar aggregate classification (germline): Uncertain significance (1 of 4 stars; one submission).

Conditions:
Cardiovascular phenotype. Identifiers: MedGen CN230736.

Submission:

Ambry Genetics
Classification: Uncertain significance for Cardiovascular phenotype. Last evaluated: 2021-10-12. Review status: criteria provided, single submitter. Criteria: Ambry Variant Classification Scheme 2023. Collection method: clinical testing. Allele origin: germline.
Comment: The c.1052-1G>C intronic variant results from a G to C substitution one nucleotide upstream from coding exon 13 of the TRDN gene. This nucleotide position is highly conserved in available vertebrate species. In silico splice site analysis predicts that this alteration will weaken the native splice acceptor site and will result in the creation or strengthening of a novel splice acceptor site. Alterations that disrupt the canonical splice site are expected to cause aberrant splicing, resulting in an abnormal protein or a transcript that is subject to nonsense-mediated mRNA decay. However, this alteration does not impact the predominant cardiac isoform of TRDN (NM_001256021.1; Kobayashi YM et al. J. Biol. Chem., 1999 Oct;274:28660-8). Since supporting evidence is limited at this time, the clinical significance of this alteration remains unclear.

NM_006073.4(TRDN):c.1052-1G>C

Gene: TRDN (triadin; minus strand). Cytogenetic location: 6q22.31.
Variant type: single nucleotide variant.
Coding change: c.1052-1G>C on transcript NM_006073.4 (MANE Select); the canonical splice acceptor site of the intron before coding-DNA position 1052, G replaced by C.
Molecular consequence: splice acceptor variant.
Genome position (GRCh38, 1-based): chr6:123,393,678, C>G on the plus strand (G>C on the coding strand, the complement: TRDN is on the minus strand). VCF-style: chr6-123393678-C-G. GRCh37 (hg19) VCF-style: chr6-123714823-C-G.
Other names: c.995-1G>C (NM_001407315.1); c.1055-1G>C (NM_001251987.2).
Identifiers: ClinVar variation 1777399 (VCV001777399.2), dbSNP rs2533887408, ClinGen allele CA365567219.